The following is an entry in ClinVar:

NM_176787.5(PIGN):c.2004T>G (p.Tyr668Ter)

Gene: PIGN (phosphatidylinositol glycan anchor biosynthesis class N; minus strand). Cytogenetic location: 18q21.33.
Variant type: single nucleotide variant.
Coding change: c.2004T>G on transcript NM_176787.5 (MANE Select); coding-DNA position 2004, T replaced by G.
Protein change: p.Tyr668Ter; replaces tyrosine 668 with a stop codon.
Molecular consequence: nonsense.
Genome position (GRCh38, 1-based): chr18:62,101,148, A>C on the plus strand (T>G on the coding strand, the complement: PIGN is on the minus strand). VCF-style: chr18-62101148-A-C. GRCh37 (hg19) VCF-style: chr18-59768381-A-C.
Other names: c.2004T>G, p.Tyr668Ter (NM_012327.6); short protein forms Y668*.
Identifiers: ClinVar variation 2803680 (VCV002803680.3), dbSNP rs757990543, ClinGen allele CA8982113.
Genomic context (GRCh38, chr18:62,101,148, plus strand): 5'-GCTAATAATTTGATTCATGAGAGGCAGTCCTTGCTTCCTGAGTAGACTACTCTGAGTGCT[A>C]TACACAACATACATGGAGAGCACTGTGCTCAGCACCTAAAGACAAAGATGAAATAGGTTA-3'

ClinVar aggregate classification (germline): Pathogenic (1 of 4 stars; one submission).

Conditions:
Multiple congenital anomalies-hypotonia-seizures syndrome 1 (MCAHS1). Also called: PIGN-CDG; Congenital disorder of glycosylation due to PIGN deficiency; GLYCOSYLPHOSPHATIDYLINOSITOL BIOSYNTHESIS DEFECT 3. Identifiers: Orphanet 280633, MedGen C3279775, MONDO:0013563, OMIM 614080.

Allele frequency attached by ClinVar (database versions not stated): gnomAD exomes below 0.00001; ExAC 0.00003.
gnomAD v4.1: 6 of 1,607,316 alleles (0.00037%); highest among the groups gnomAD compares: Non-Finnish European, 0.00017%; no homozygotes.

Submission:

Labcorp Genetics (formerly Invitae), Labcorp
Classification: Pathogenic for Multiple congenital anomalies-hypotonia-seizures syndrome 1. Last evaluated: 2023-01-16. Review status: criteria provided, single submitter. Criteria: Invitae Variant Classification Sherloc (09022015). Collection method: clinical testing. Allele origin: germline.
Comment: This variant is present in population databases (rs757990543, gnomAD 0.003%). For these reasons, this variant has been classified as Pathogenic. This variant has not been reported in the literature in individuals affected with PIGN-related conditions. This sequence change creates a premature translational stop signal (p.Tyr668*) in the PIGN gene. It is expected to result in an absent or disrupted protein product. Loss-of-function variants in PIGN are known to be pathogenic (PMID: 24253414, 27038415).

Literature cited by the submitters: PubMed 24253414; PubMed 27038415.